The following is an entry in ClinVar:

ClinVar aggregate classification (germline): Likely pathogenic. Review status: criteria provided, multiple submitters, no conflicts (2 of 4 stars). 3 submissions from 3 submitters: Likely pathogenic (2). 1 of the submissions does not count toward it. Last evaluated 2023-12-07.

Conditions:
Retinitis pigmentosa 25 (RP25). Identifiers: Orphanet 791, MedGen C1864446, MONDO:0011272, OMIM 602772.

Allele frequency attached by ClinVar (database versions not stated): gnomAD exomes 0.00001 and below 0.00001; ExAC 0.00001.

Submissions (3):

Baylor Genetics
Classification: Likely pathogenic for Retinitis pigmentosa 25. Last evaluated: 2023-12-07. Review status: criteria provided, single submitter. Criteria: ACMG Guidelines, 2015. Collection method: clinical testing. Allele origin: unknown.

Ocular Genomics Institute, Massachusetts Eye and Ear
Classification: Likely pathogenic for Retinitis pigmentosa 25. Last evaluated: 2021-04-08. Review status: criteria provided, single submitter. Criteria: ACMG Guidelines, 2015. Collection method: research. Allele origin: germline. Affected: yes.
Comment: Through a review of available evidence we were able to apply the following criteria: PVS1, PM2. Based on this evidence we have classified this variant as Likely Pathogenic.

Natera, Inc.
Classification: Uncertain significance for Retinitis pigmentosa type 25. Last evaluated: 2025-03-19. Review status: no assertion criteria provided. Collection method: clinical testing. Allele origin: germline. Not counted in ClinVar's aggregate classification.

NM_001142800.2(EYS):c.1056+3A>C

Gene: EYS (eyes shut homolog; minus strand). Cytogenetic location: 6q12.
Variant type: single nucleotide variant.
Coding change: c.1056+3A>C on transcript NM_001142800.2 (MANE Select); 3 bases into the intron after coding-DNA position 1056, A replaced by C.
Molecular consequence: intron variant.
Genome position (GRCh38, 1-based): chr6:65,405,171, T>G on the plus strand (A>C on the coding strand, the complement: EYS is on the minus strand). VCF-style: chr6-65405171-T-G. GRCh37 (hg19) VCF-style: chr6-66115064-T-G.
Other names: c.1056+3A>C (NM_001292009.2, NM_001142801.2, NM_198283.2).
Identifiers: ClinVar variation 1065715 (VCV001065715.3), dbSNP rs747923761, ClinGen allele CA3877896.
Genomic context (GRCh38, chr6:65,405,171, plus strand): 5'-AATTGCTTGGTAATAGTAAAAAAAATTTAAAACCACTCACTTATATGTTAGATTGAGACT[T>G]ACATTTGATATTTTGATGCAGTCAGTACCATTCTGACATGGTACTAATGAAAACTCACTG-3'